The following is an entry in ClinVar:

ClinVar aggregate classification (germline): Uncertain significance (1 of 4 stars; one submission).

Conditions:
Glycogen storage disease, type II (IOPD). Also called: Pompe Disease; Glucosidase acid-1,4-alpha deficiency; GLYCOGENOSIS, GENERALIZED, CARDIAC FORM; GSD II; Glycogen storage disease type 2; Acid maltase deficiency disease. Identifiers: Orphanet 365, MedGen C0017921, MONDO:0009290, OMIM 232300.

Allele frequency attached by ClinVar (database versions not stated): gnomAD exomes 0.00001.

Submission:

Labcorp Genetics (formerly Invitae), Labcorp
Classification: Uncertain significance for Glycogen storage disease, type II. Last evaluated: 2021-02-19. Review status: criteria provided, single submitter. Criteria: Invitae Variant Classification Sherloc (09022015). Collection method: clinical testing. Allele origin: germline.
Comment: In summary, the available evidence is currently insufficient to determine the role of this variant in disease. Therefore, it has been classified as a Variant of Uncertain Significance. Algorithms developed to predict the effect of missense changes on protein structure and function (SIFT, PolyPhen-2, Align-GVGD) all suggest that this variant is likely to be tolerated, but these predictions have not been confirmed by published functional studies and their clinical significance is uncertain. This variant has not been reported in the literature in individuals with GAA-related conditions. This variant is not present in population databases (ExAC no frequency). This sequence change replaces methionine with threonine at codon 841 of the GAA protein (p.Met841Thr). The methionine residue is moderately conserved and there is a moderate physicochemical difference between methionine and threonine.

NM_000152.5(GAA):c.2522T>C (p.Met841Thr)

Gene: GAA (alpha glucosidase; plus strand). Cytogenetic location: 17q25.3.
Variant type: single nucleotide variant.
Coding change: c.2522T>C on transcript NM_000152.5 (MANE Select); coding-DNA position 2522, T replaced by C.
Protein change: p.Met841Thr; replaces methionine 841 with threonine.
Molecular consequence: missense variant.
Genome position (GRCh38, 1-based): chr17:80,118,233, T>C. VCF-style: chr17-80118233-T-C. GRCh37 (hg19) VCF-style: chr17-78092032-T-C.
Other names: c.2522T>C, p.Met841Thr (NM_001079803.3, NM_001079804.3); short protein forms M841T.
Identifiers: ClinVar variation 1437458 (VCV001437458.8), dbSNP rs758016479, ClinGen allele CA294857973.